The following is an entry in ClinVar:

ClinVar aggregate classification (germline): Uncertain significance (1 of 4 stars; one submission).

Conditions:
Hereditary cancer-predisposing syndrome. Also called: Hereditary neoplastic syndrome; Neoplastic Syndromes, Hereditary; Hereditary Cancer Syndrome; Tumor predisposition. Identifiers: Orphanet 140162, MedGen C0027672, MeSH D009386, MONDO:0015356.

Submission:

Labcorp Genetics (formerly Invitae), Labcorp
Classification: Uncertain significance for Hereditary cancer-predisposing syndrome. Last evaluated: 2024-08-28. Review status: criteria provided, single submitter. Criteria: Invitae Variant Classification Sherloc (09022015). Collection method: clinical testing. Allele origin: germline.
Comment: This sequence change falls in intron 3 of the RAD50 gene. It does not directly change the encoded amino acid sequence of the RAD50 protein. It affects a nucleotide within the consensus splice site. This variant is not present in population databases (gnomAD no frequency). This variant has not been reported in the literature in individuals affected with RAD50-related conditions. Variants that disrupt the consensus splice site are a relatively common cause of aberrant splicing (PMID: 17576681, 9536098). Algorithms developed to predict the effect of sequence changes on RNA splicing suggest that this variant may disrupt the consensus splice site. In summary, the available evidence is currently insufficient to determine the role of this variant in disease. Therefore, it has been classified as a Variant of Uncertain Significance.

Literature cited by the submitters: PubMed 17576681; PubMed 9536098.

NM_005732.4(RAD50):c.365+6T>C

Gene: RAD50 (RAD50 double strand break repair protein; plus strand). Cytogenetic location: 5q31.1.
Variant type: single nucleotide variant.
Coding change: c.365+6T>C on transcript NM_005732.4 (MANE Select); 6 bases into the intron after coding-DNA position 365, T replaced by C.
Molecular consequence: intron variant.
Genome position (GRCh38, 1-based): chr5:132,575,934, T>C. VCF-style: chr5-132575934-T-C. GRCh37 (hg19) VCF-style: chr5-131911626-T-C.
Identifiers: ClinVar variation 3708645 (VCV003708645.2).
Genomic context (GRCh38, chr5:132,575,934, plus strand): 5'-AGAAAAGCAAAAAGACAGAATTTAAAACTCTGGAAGGAGTCATTACTAGAACAAAGTAGG[T>C]GTTTATATGATATTTGAATTTCTGTTCATTTTCAGTCTTTTAGGTCTGTAAGTTGATGGT-3'